The following is an entry in ClinVar:

ClinVar aggregate classification (germline): Uncertain significance (1 of 4 stars; one submission).

Submission:

Labcorp Genetics (formerly Invitae), Labcorp
Classification: Uncertain significance. Last evaluated: 2021-09-21. Review status: criteria provided, single submitter. Criteria: Invitae Variant Classification Sherloc (09022015). Collection method: clinical testing. Allele origin: germline.
Comment: This sequence change replaces valine with alanine at codon 37 of the SLC18A3 protein (p.Val37Ala). The valine residue is highly conserved and there is a small physicochemical difference between valine and alanine. This variant is not present in population databases (ExAC no frequency). This variant has not been reported in the literature in individuals affected with SLC18A3-related conditions. Algorithms developed to predict the effect of missense changes on protein structure and function are either unavailable or do not agree on the potential impact of this missense change (SIFT: "Deleterious"; PolyPhen-2: "Possibly Damaging"; Align-GVGD: "Class C0"). In summary, the available evidence is currently insufficient to determine the role of this variant in disease. Therefore, it has been classified as a Variant of Uncertain Significance.

NM_003055.3(SLC18A3):c.110T>C (p.Val37Ala)

Genes: CHAT (choline O-acetyltransferase; plus strand), SLC18A3 (solute carrier family 18 member A3; plus strand). Cytogenetic location: 10q11.23.
Variant type: single nucleotide variant.
Coding change: c.110T>C on transcript NM_003055.3 (MANE Select); coding-DNA position 110, T replaced by C.
Protein change: p.Val37Ala; replaces valine 37 with alanine.
Molecular consequence: missense variant. On other transcripts: intron variant (1).
Genome position (GRCh38, 1-based): chr10:49,610,850, T>C. VCF-style: chr10-49610850-T-C. GRCh37 (hg19) VCF-style: chr10-50818896-T-C.
Other names: c.-69+1651T>C (NM_020984.4); short protein forms V37A.
Identifiers: ClinVar variation 1380855 (VCV001380855.4), dbSNP rs2132685670, ClinGen allele CA376715827.